The following is an entry in ClinVar:

ClinVar aggregate classification (germline): Uncertain significance. Review status: criteria provided, multiple submitters, no conflicts (2 of 4 stars). 3 submissions from 3 submitters: Uncertain significance (3). Last evaluated 2026-07-02.

Conditions:
Familial thoracic aortic aneurysm and aortic dissection (TAAD). Also called: Thoracic aortic aneurysms and dissections. Identifiers: Orphanet 91387, MedGen C4707243, MONDO:0019625.
Aortic aneurysm, familial thoracic 4 (AAT4). Also called: AORTIC ANEURYSM/AORTIC DISSECTION AND PATENT DUCTUS ARTERIOSUS. Identifiers: MedGen C1851504, MONDO:0007568, OMIM 132900.

gnomAD v4.1: 4 of 1,614,142 alleles (0.00025%); highest among the groups gnomAD compares: Non-Finnish European, 0.00025%; no homozygotes.

Submissions (3):

Ambry Genetics
Classification: Uncertain significance for Familial thoracic aortic aneurysm and aortic dissection. Last evaluated: 2026-07-02. Review status: criteria provided, single submitter. Criteria: Ambry Variant Classification Scheme 2023. Collection method: clinical testing. Allele origin: germline.
Comment: The p.L300V variant (also known as c.898C>G), located in coding exon 8 of the MYH11 gene, results from a C to G substitution at nucleotide position 898. The leucine at codon 300 is replaced by valine, an amino acid with highly similar properties. This amino acid position is conserved. In addition, the in silico prediction for this alteration is inconclusive. Based on the available evidence, the clinical significance of this variant remains unclear.

All of Us Research Program, National Institutes of Health
Classification: Uncertain significance for Familial thoracic aortic aneurysm and aortic dissection. Last evaluated: 2024-05-14. Review status: criteria provided, single submitter. Criteria: ACMG Guidelines, 2015. Collection method: clinical testing. Allele origin: germline. Inheritance: Autosomal dominant inheritance. Observed: 2 variant alleles, 2 heterozygotes.
Comment: This missense variant replaces leucine with valine at codon 307 of the MYH11 protein. Computational prediction is inconclusive regarding the impact of this variant on protein structure and function (internally defined REVEL score threshold 0.5 < inconclusive < 0.7, PMID: 27666373). To our knowledge, functional studies have not been reported for this variant. This variant has not been reported in individuals affected with MYH11-related disorders in the literature. This variant has not been identified in the general population by the Genome Aggregation Database (gnomAD). The available evidence is insufficient to determine the role of this variant in disease conclusively. Therefore, this variant is classified as a Variant of Uncertain Significance.

This study involves interpretation of variants in research participants for the purpose of population health screening. Participant phenotype was not available at the time of variant classification. Additional details can be found in publication PMID: 35346344, PMCID: PMC8962531

Institute of Human Genetics, University of Leipzig Medical Center
Classification: Uncertain significance for Aortic aneurysm, familial thoracic 4. Last evaluated: 2019-01-01. Review status: criteria provided, single submitter. Criteria: ACMG Guidelines, 2015. Collection method: clinical testing. Allele origin: unknown. Affected: yes.
Comment: This variant was identified as compound heterozygous.

NM_002474.3(MYH11):c.898C>G (p.Leu300Val)

Gene: MYH11 (myosin heavy chain 11; minus strand). Cytogenetic location: 16p13.11.
Variant type: single nucleotide variant.
Coding change: c.898C>G on transcript NM_002474.3 (MANE Select); coding-DNA position 898, C replaced by G.
Protein change: p.Leu300Val; replaces leucine 300 with valine.
Molecular consequence: missense variant.
Genome position (GRCh38, 1-based): chr16:15,771,704, G>C on the plus strand (C>G on the coding strand, the complement: MYH11 is on the minus strand). VCF-style: chr16-15771704-G-C. GRCh37 (hg19) VCF-style: chr16-15865561-G-C.
Other names: c.919C>G, p.Leu307Val (NM_001040114.2, NM_001040113.2); c.898C>G, p.Leu300Val (NM_022844.3); short protein forms L300V, L307V.
Identifiers: ClinVar variation 983143 (VCV000983143.3), dbSNP rs2042105924, ClinGen allele CA394868222.